The following is an entry in ClinVar:

NM_001123385.2(BCOR):c.3883_3884del (p.Leu1296fs)

Gene: BCOR (BCL6 corepressor; minus strand). Cytogenetic location: Xp11.4.
Variant type: Microsatellite.
Coding change: c.3883_3884del on transcript NM_001123385.2 (MANE Select); coding-DNA positions 3883 to 3884, 2 bases deleted (AG; older notation c.3883_3884delAG).
Protein change: p.Leu1296fs; shifts the reading frame from leucine 1296.
Molecular consequence: frameshift variant.
Genome position (GRCh38, 1-based): chrX:40,063,035-40,063,036, CT deleted on the plus strand (AG on the coding strand, the reverse complement: BCOR is on the minus strand); deleting any 2 consecutive bases within chrX:40,063,035-40,063,038 gives the same sequence; the c. name uses the placement nearest the transcript's 3' end. VCF-style (leftmost placement, unchanged base first): chrX-40063034-ACT-A. GRCh37 (hg19) VCF-style: chrX-39922287-ACT-A.
Other names: c.3779_3780AG[1], p.Leu1262Phefs (NM_001123383.2); c.3727_3728del, p.Leu1244fs (NM_001123384.2); c.3781_3782del, p.Leu1262fs (NM_017745.6); c.3883_3884delAG (NM_001123385.1); short protein forms L1296fs, L1244fs, L1262fs.
Identifiers: ClinVar variation 284290 (VCV000284290.7), dbSNP rs886042842, ClinGen allele CA10604753.
Genomic context (GRCh38, chrX:40,063,034, plus strand): 5'-GGAGGCTGGTGCGCAGCTTGGCTGAGCCTGCTTTTTGCCGCCTGCACTGGTGGATGAAAG[ACT>A]CTTCATGGGCGGAGAGCCGGAGAACACAGGCAAGCCTAAATACGGAGGGGGTGACGGGGT-3'

ClinVar aggregate classification (germline): Pathogenic. Review status: criteria provided, multiple submitters, no conflicts (2 of 4 stars). 3 submissions from 3 submitters: Pathogenic (2). 1 of the submissions does not count toward it. Last evaluated 2016-01-29.

Conditions:
Inborn genetic diseases. Identifiers: MedGen C0950123, MeSH D030342.
Glioblastoma. Also called: Giant cell glioblastoma (histologic variant); Gliosarcoma (histologic variant). Identifiers: Orphanet 360, MedGen C0017636, MeSH D005909, MONDO:0018177, HP:0100843.

Submissions (3):

Ambry Genetics
Classification: Pathogenic for Inborn genetic diseases. Last evaluated: 2016-01-29. Review status: criteria provided, single submitter. Criteria: Ambry Variant Classification Scheme 2023. Collection method: clinical testing. Allele origin: germline.
Comment: The c.3883_3884delAG pathogenic mutation, located in coding exon 8 of the BCOR gene, results from a deletion of two nucleotides between nucleotide positions 3883 and 3884, causing a translational frameshift with a predicted alternate stop codon. Since frameshifts are typically deleterious in nature, this alteration is interpreted as a disease-causing mutation (ACMG Recommendations for Standards for Interpretation and Reporting of Sequence Variations. Revision 2007. Genet Med. 2008;10:294).

Eurofins Ntd Llc (ga)
Classification: Pathogenic. Last evaluated: 2015-11-18. Review status: criteria provided, single submitter. Criteria: EGL Classification Definitions 2015. Collection method: clinical testing. Allele origin: germline. Observed: 1 variant allele, 1 heterozygote.

Donald Williams Parsons Laboratory, Baylor College of Medicine
Classification: other for GLIOBLASTOMA. Last evaluated: 2016-05-01. Review status: no assertion criteria provided. Collection method: clinical testing. Allele origin: somatic. Inheritance: Somatic mutation. Affected: yes. Study: CSER-BASIC3. Not counted in ClinVar's aggregate classification.

Literature cited by the submitters: PubMed 26822237 (cited by Donald Williams Parsons Laboratory, Baylor College of Medicine).